The following is an entry in ClinVar:

ClinVar aggregate classification (germline): Pathogenic (1 of 4 stars; one submission).

Conditions:
Retinitis pigmentosa (RP). Identifiers: Orphanet 791, MedGen C0035334, MeSH D012174, MONDO:0019200, OMIM 268000. Inheritance: Autosomal dominant, autosomal recessive and X linked inheritance.

Submission:

Lab De Baere, Eye and Developmental Genetics Lab, Ghent University
Classification: Pathogenic for Retinitis pigmentosa. Last evaluated: 2024-10-01. Review status: criteria provided, single submitter. Criteria: ACMG Guidelines, 2015. Collection method: research. Allele origin: inherited. Affected: yes. Observed: 1 variant allele.
Comment: ACMG/AMP guidelines: PM2, PVS1, PM3_PP

NM_016247.4(IMPG2):c.3223del (p.Ala1075fs)

Gene: IMPG2 (interphotoreceptor matrix proteoglycan 2; minus strand). Cytogenetic location: 3q12.3.
Variant type: Deletion.
Coding change: c.3223del on transcript NM_016247.4 (MANE Select); coding-DNA position 3223, one base deleted (G; older notation c.3223delG).
Protein change: p.Ala1075fs; shifts the reading frame from alanine 1075.
Molecular consequence: frameshift variant.
Genome position (GRCh38, 1-based): chr3:101,232,791, C deleted on the plus strand (G on the coding strand, the reverse complement: IMPG2 is on the minus strand); the first of 4 consecutive C bases (chr3:101,232,791-101,232,794); deleting any one gives the same sequence. VCF-style (leftmost placement, unchanged base first): chr3-101232790-GC-G. GRCh37 (hg19) VCF-style: chr3-100951634-GC-G.
Other names: short protein forms A1075fs.
Identifiers: ClinVar variation 3544497 (VCV003544497.1).